The following is an entry in ClinVar:

NM_001558.4(IL10RA):c.67+1G>A

Gene: IL10RA (interleukin 10 receptor subunit alpha; plus strand). Cytogenetic location: 11q23.3.
Variant type: single nucleotide variant.
Coding change: c.67+1G>A on transcript NM_001558.4 (MANE Select); the canonical splice donor site of the intron after coding-DNA position 67, G replaced by A.
Molecular consequence: splice donor variant.
Genome position (GRCh38, 1-based): chr11:117,986,535, G>A. VCF-style: chr11-117986535-G-A. GRCh37 (hg19) VCF-style: chr11-117857250-G-A.
Identifiers: ClinVar variation 4849293 (VCV004849293.1).
Genomic context (GRCh38, chr11:117,986,535, plus strand): 5'-CGTGCCTCGTAGTGCTGCTGGCGGCGCTCCTCAGCCTCCGTCTTGGCTCAGACGCTCATG[G>A]TAAGGCTCCGGGACGCGGCCCTTCCCTGCCCTGCCCTCTCCGCGCCCGCTCCATTAAAGT-3'

ClinVar aggregate classification (germline): Likely pathogenic (1 of 4 stars; one submission).

Conditions:
Inflammatory bowel disease 28. Also called: Inflammatory bowel disease 28, early onset, autosomal recessive. Identifiers: Orphanet 238569, MedGen C2751053, MONDO:0013153, OMIM 613148.

gnomAD v4.1: 2 of 1,553,554 alleles (0.00013%); highest among the groups gnomAD compares: South Asian, 0.0012%; no homozygotes.

Submission:

First Genomix Gene Laboratory, Genetic Diagnostics Department
Classification: Likely pathogenic for Inflammatory bowel disease 28. Last evaluated: 2025-05-19. Review status: criteria provided, single submitter. Criteria: ACMG Guidelines, 2015. Collection method: clinical testing. Allele origin: germline. Inheritance: Autosomal recessive inheritance. Affected: no. Observed: 1 variant allele.